The following is an entry in ClinVar:

NM_001105206.3(LAMA4):c.652G>A (p.Gly218Arg)

Gene: LAMA4 (laminin subunit alpha 4; minus strand). Cytogenetic location: 6q21.
Variant type: single nucleotide variant.
Coding change: c.652G>A on transcript NM_001105206.3 (MANE Select); coding-DNA position 652, G replaced by A.
Protein change: p.Gly218Arg; replaces glycine 218 with arginine.
Molecular consequence: missense variant.
Genome position (GRCh38, 1-based): chr6:112,191,702, C>T on the plus strand (G>A on the coding strand, the complement: LAMA4 is on the minus strand). VCF-style: chr6-112191702-C-T. GRCh37 (hg19) VCF-style: chr6-112512904-C-T.
Other names: c.652G>A, p.Gly218Arg (NM_001105207.3, NM_002290.5); short protein forms G218R.
Identifiers: ClinVar variation 626479 (VCV000626479.8), dbSNP rs781829741, ClinGen allele CA3966090.
Genomic context (GRCh38, chr6:112,191,702, plus strand): 5'-AGTTCTTGGCTATCCTGGCGTCCCCATAGTAGCCAGGAGCGCAACGTTCACACTTGAATC[C>T]GGTGGTGTTGCGTAAGCAATTCCTACACTGGCCAGTGACTTCATCACAATCTTCAAAGAT-3'
Protein context (NP_001098676.2, residues 208-228): QCRNCLRNTT[Gly218Arg]FKCERCAPGY

ClinVar aggregate classification (germline): Uncertain significance. Review status: criteria provided, multiple submitters, no conflicts (2 of 4 stars). 3 submissions from 3 submitters: Uncertain significance (3). Last evaluated 2025-10-01.

Conditions:
Cardiovascular phenotype. Identifiers: MedGen CN230736.
Dilated cardiomyopathy 1JJ (CMD1JJ). Identifiers: Orphanet 154, MedGen C3808935, MONDO:0014095, OMIM 615235.
Cardiomyopathy (CMYO). Also called: Cardiomyopathies. Identifiers: Orphanet 167848, MedGen C0878544, MONDO:0004994, HP:0001638. Inheritance: Various modes of inheritance.

Allele frequency attached by ClinVar (database versions not stated): gnomAD 0.00001; ExAC 0.00002; TOPMed 0.00001; gnomAD exomes 0.00002.
gnomAD v4.1: 24 of 1,613,962 alleles (0.0015%); highest among the groups gnomAD compares: South Asian, 0.0077%; no homozygotes.

Submissions (3):

Ambry Genetics
Classification: Uncertain significance for Cardiovascular phenotype. Last evaluated: 2025-10-01. Review status: criteria provided, single submitter. Criteria: Ambry Variant Classification Scheme 2023. Collection method: clinical testing. Allele origin: germline.
Comment: The p.G218R variant (also known as c.652G>A), located in coding exon 5 of the LAMA4 gene, results from a G to A substitution at nucleotide position 652. The glycine at codon 218 is replaced by arginine, an amino acid with dissimilar properties. This amino acid position is highly conserved in available vertebrate species. In addition, this alteration is predicted to be deleterious by in silico analysis. The evidence for this gene-disease relationship is limited; therefore, the clinical significance of this alteration is unclear.

Labcorp Genetics (formerly Invitae), Labcorp
Classification: Uncertain significance for Dilated cardiomyopathy 1JJ. Last evaluated: 2025-06-02. Review status: criteria provided, single submitter. Criteria: Invitae Variant Classification Sherloc (09022015). Collection method: clinical testing. Allele origin: germline.
Comment: This sequence change replaces glycine, which is neutral and non-polar, with arginine, which is basic and polar, at codon 218 of the LAMA4 protein (p.Gly218Arg). This variant is present in population databases (rs781829741, gnomAD 0.005%). This variant has not been reported in the literature in individuals affected with LAMA4-related conditions. ClinVar contains an entry for this variant (Variation ID: 626479). Invitae Evidence Modeling of protein sequence and biophysical properties (such as structural, functional, and spatial information, amino acid conservation, physicochemical variation, residue mobility, and thermodynamic stability) indicates that this missense variant is expected to disrupt LAMA4 protein function with a positive predictive value of 80%. In summary, the available evidence is currently insufficient to determine the role of this variant in disease. Therefore, it has been classified as a Variant of Uncertain Significance.

CHEO Genetics Diagnostic Laboratory, Children's Hospital of Eastern Ontario
Classification: Uncertain significance for Cardiomyopathy. Last evaluated: 2020-01-31. Review status: criteria provided, single submitter. Criteria: ACMG Guidelines, 2015. Collection method: clinical testing. Allele origin: germline. Study: Canadian Open Genetics Repository.